The following is an entry in ClinVar:

ClinVar aggregate classification (germline): Benign. Review status: criteria provided, multiple submitters, no conflicts (2 of 4 stars). 6 submissions from 6 submitters: Benign (6). Last evaluated 2026-01-25.

Conditions:
Autosomal dominant cerebellar ataxia. Also called: Spinocerebellar Ataxia, Dominant. Identifiers: Orphanet 99, MedGen C4087347, MONDO:0020380.
Spinocerebellar ataxia type 29 (SCA29). Also called: CEREBELLAR ATAXIA, CONGENITAL NONPROGRESSIVE, AUTOSOMAL DOMINANT; Spinocerebellar ataxia 29, congenital nonprogressive. Identifiers: Orphanet 208513, MedGen C1861732, MONDO:0007298, OMIM 117360.
Gillespie syndrome (GLSP). Also called: Aniridia, cerebellar ataxia, and mental deficiency; Aniridia-cerebellar ataxia-intellectual disability syndrome. Identifiers: Orphanet 1065, MedGen C0431401, MONDO:0008795, OMIM 206700.
Spinocerebellar ataxia type 15/16 (SCA15). Also called: Spinocerebellar Ataxia Type 15. Identifiers: Orphanet 98769, MedGen C1847725, MONDO:0011694, OMIM 606658.

Allele frequency attached by ClinVar (database versions not stated): gnomAD 0.00016 and 0.00218; ESP Exome Variant Server 0.00041; TOPMed 0.00052; gnomAD exomes 0.00677; ExAC 0.00821; 1000 Genomes Project 0.01577; 1000 Genomes Project 30x 0.01624.
gnomAD v4.1: 5,255 of 1,604,280 alleles (0.33%); highest among the groups gnomAD compares: South Asian, 5.5%; 196 homozygotes.

Submissions (7):

Labcorp Genetics (formerly Invitae), Labcorp
Classification: Benign. Last evaluated: 2026-01-25. Review status: criteria provided, single submitter. Criteria: Invitae Variant Classification Sherloc (09022015). Collection method: clinical testing. Allele origin: germline.

Fulgent Genetics
Classification: Benign for Spinocerebellar ataxia type 29; Gillespie syndrome; Spinocerebellar ataxia type 15/16. Last evaluated: 2021-10-08. Review status: criteria provided, single submitter. Criteria: ACMG Guidelines, 2015. Collection method: clinical testing. Allele origin: unknown.

Athena Diagnostics
Classification: Benign. Last evaluated: 2020-09-11. Review status: criteria provided, single submitter. Criteria: Athena Diagnostics criteria. Collection method: clinical testing. Allele origin: unknown.

GeneDx
Classification: Benign. Last evaluated: 2018-10-01. Review status: criteria provided, single submitter. Criteria: GeneDx Variant Classification Process June 2021. Collection method: clinical testing. Allele origin: germline. Affected: yes.

Illumina Laboratory Services, Illumina
Classification: Benign for Spinocerebellar Ataxia, Dominant. Last evaluated: 2018-01-12. Review status: criteria provided, single submitter. Criteria: ICSL Variant Classification Criteria 13 December 2019. Collection method: clinical testing. Allele origin: germline.
Comment: This variant was observed in the ICSL laboratory as part of a predisposition screen in an ostensibly healthy population. It had not been previously curated by ICSL or reported in the Human Gene Mutation Database (HGMD: prior to June 1st, 2018), and was therefore a candidate for classification through an automated scoring system. Utilizing variant allele frequency, disease prevalence and penetrance estimates, and inheritance mode, an automated score was calculated to assess if this variant is too frequent to cause the disease. Based on the score and internal cut-off values, a variant classified as benign is not then subjected to further curation. The score for this variant resulted in a classification of benign for this disease.

Breakthrough Genomics
Classification: Benign. Review status: criteria provided, single submitter. Criteria: ACMG Guidelines, 2015. Collection method: not provided. Allele origin: germline. Inheritance: Autosomal dominant inheritance. Affected: yes.

Dr. Peter K. Rogan Lab, Western University
No classification provided (evidence only). Condition: Thyroid cancer, nonmedullary, 1. Review status: no classification provided. Collection method: in vitro. Allele origin: not applicable. Functional consequence: skipped exon. Not counted in ClinVar's aggregate classification.

NM_001378452.1(ITPR1):c.57G>A (p.Ala19=)

Gene: ITPR1 (inositol 1,4,5-trisphosphate receptor type 1; plus strand). Cytogenetic location: 3p26.1.
Variant type: single nucleotide variant.
Coding change: c.57G>A on transcript NM_001378452.1 (MANE Select); coding-DNA position 57, G replaced by A.
Protein change: p.Ala19=; no amino-acid change (alanine 19 retained).
Molecular consequence: synonymous variant.
Genome position (GRCh38, 1-based): chr3:4,516,548, G>A. VCF-style: chr3-4516548-G-A. GRCh37 (hg19) VCF-style: chr3-4558232-G-A.
Other names: c.57G>A, p.Ala19= (NM_001099952.4, NM_001168272.2, NM_002222.7).
Identifiers: ClinVar variation 345338 (VCV000345338.19), dbSNP rs200534989, ClinGen allele CA2230782.